The following is an entry in ClinVar:

ClinVar aggregate classification (germline): Uncertain significance. Review status: criteria provided, multiple submitters, no conflicts (2 of 4 stars). 5 submissions from 5 submitters: Uncertain significance (5). Last evaluated 2026-07-31.

Conditions:
LRP5-related disorder. Also called: LRP5-related condition.
Osteoporosis. Identifiers: MedGen C0029456, MONDO:0005298, OMIM 166710, HP:0000939.
Autosomal dominant osteopetrosis 1 (OPTA1). Also called: OSTEOPETROSIS, AUTOSOMAL DOMINANT, TYPE I. Identifiers: Orphanet 2783, MedGen C1843330, MONDO:0011877, OMIM 607634.
Worth disease. Also called: ENDOSTEAL HYPEROSTOSIS, AUTOSOMAL DOMINANT; OSTEOSCLEROSIS, AUTOSOMAL DOMINANT; Autosomal dominant osteosclerosis, Worth type. Identifiers: Orphanet 2790, MedGen C0432273, MONDO:0007764, OMIM 144750.
Polycystic liver disease 4 with or without kidney cysts. Identifiers: MedGen C4693479, MONDO:0044327, OMIM 617875.
Exudative vitreoretinopathy 4 (EVR4). Identifiers: Orphanet 891, MedGen C1866176, MONDO:0011151, OMIM 601813.
Osteoporosis with pseudoglioma (OPPG). Also called: osteoporosis-pseudoglioma syndrome. Identifiers: Orphanet 2788, MedGen C0432252, MONDO:0009820, OMIM 259770.
Exudative vitreoretinopathy 1 (EVR1). Also called: CRISWICK-SCHEPENS SYNDROME; FEVR, AUTOSOMAL DOMINANT; Familial exudative vitreoretinopathy, autosomal dominant. Identifiers: Orphanet 891, Orphanet 90050, MedGen C1851402, MONDO:0007589, OMIM 133780.
Bone mineral density quantitative trait locus 1 (BMND1). Identifiers: MedGen C1866079, OMIM 601884.
Inborn genetic diseases. Identifiers: MedGen C0950123, MeSH D030342.

Allele frequency attached by ClinVar (database versions not stated): gnomAD 0.00001 and 0.00003; TOPMed 0.00003; gnomAD exomes 0.00004 and 0.00006; ExAC 0.00006; ESP Exome Variant Server 0.00008; 1000 Genomes Project 30x 0.00016; 1000 Genomes Project 0.00020.
gnomAD v4.1: 64 of 1,613,688 alleles (0.004%); highest among the groups gnomAD compares: South Asian, 0.011%; no homozygotes.

Submissions (5):

PreventionGenetics, part of Exact Sciences
Classification: Uncertain significance for LRP5-related condition. Last evaluated: 2026-07-31. Review status: criteria provided, single submitter. Criteria: ACMG Guidelines, 2015. Collection method: clinical testing. Allele origin: germline.
Comment: The LRP5 c.1310C>T variant is predicted to result in the amino acid substitution p.Thr437Met. This variant has been reported in the heterozygous state in an individual with familial exudative vitreoretinopathy (Supplemental Table 1, Yaylacioglu Tuncay et al. 2025. PubMed ID: 39903177). This variant is reported in 0.019% of alleles in individuals of African descent in gnomAD. At this time, the clinical significance of this variant is uncertain due to the absence of conclusive functional and genetic evidence.

Labcorp Genetics (formerly Invitae), Labcorp
Classification: Uncertain significance. Last evaluated: 2025-10-01. Review status: criteria provided, single submitter. Criteria: Invitae Variant Classification Sherloc (09022015). Collection method: clinical testing. Allele origin: germline.
Comment: This sequence change replaces threonine, which is neutral and polar, with methionine, which is neutral and non-polar, at codon 437 of the LRP5 protein (p.Thr437Met). This variant is present in population databases (rs370901051, gnomAD 0.02%). This variant has not been reported in the literature in individuals affected with LRP5-related conditions. ClinVar contains an entry for this variant (Variation ID: 936010). Invitae Evidence Modeling of protein sequence and biophysical properties (such as structural, functional, and spatial information, amino acid conservation, physicochemical variation, residue mobility, and thermodynamic stability) has been performed for this missense variant. However, the output from this modeling did not meet the statistical confidence thresholds required to predict the impact of this variant on LRP5 protein function. In summary, the available evidence is currently insufficient to determine the role of this variant in disease. Therefore, it has been classified as a Variant of Uncertain Significance.

Ambry Genetics
Classification: Uncertain significance for Inborn genetic diseases. Last evaluated: 2022-06-24. Review status: criteria provided, single submitter. Criteria: Ambry Variant Classification Scheme 2023. Collection method: clinical testing. Allele origin: germline.

Fulgent Genetics
Classification: Uncertain significance for Exudative vitreoretinopathy 1; Worth disease; Osteoporosis; Osteoporosis with pseudoglioma; Exudative vitreoretinopathy 4; Bone mineral density quantitative trait locus 1; Autosomal dominant osteopetrosis 1; Polycystic liver disease 4 with or without kidney cysts. Last evaluated: 2022-02-11. Review status: criteria provided, single submitter. Criteria: ACMG Guidelines, 2015. Collection method: clinical testing. Allele origin: unknown.

Blueprint Genetics
Classification: Uncertain significance. Last evaluated: 2021-07-27. Review status: criteria provided, single submitter. Criteria: ACMG Guidelines, 2015. Collection method: clinical testing. Allele origin: germline.

NM_002335.4(LRP5):c.1310C>T (p.Thr437Met)

Gene: LRP5 (LDL receptor related protein 5; plus strand). Cytogenetic location: 11q13.2.
Variant type: single nucleotide variant.
Coding change: c.1310C>T on transcript NM_002335.4 (MANE Select); coding-DNA position 1310, C replaced by T.
Protein change: p.Thr437Met; replaces threonine 437 with methionine.
Molecular consequence: missense variant. On other transcripts: 5 prime UTR variant (1).
Genome position (GRCh38, 1-based): chr11:68,386,610, C>T. VCF-style: chr11-68386610-C-T. GRCh37 (hg19) VCF-style: chr11-68154078-C-T.
Other names: c.-456C>T (NM_001291902.2); c.1310C>T (NM_002335.2); short protein forms T437M.
Identifiers: ClinVar variation 936010 (VCV000936010.12), dbSNP rs370901051, ClinGen allele CA6149298.